The following is an entry in ClinVar:

ClinVar aggregate classification (germline): Uncertain significance (1 of 4 stars; one submission).

Submission:

Dasa
Classification: Uncertain significance. Last evaluated: 2025-06-28. Review status: criteria provided, single submitter. Criteria: DASA Assertion Criteria. Collection method: clinical testing. Allele origin: germline.
Comment: NM_001128840.3(CACNA1D):c.3695T>A (p.Met1232Lys) is a missense variant that results in the substitution of methionine with lysine. This variant is rare in population databases. Computational prediction algorithms are consistent with a benign effect. The currently available literature and clinical evidence are not sufficient to establish a definitive association between this variant and the reported condition. Therefore, this variant is classified as a variant of uncertain significance.

NM_001128840.3(CACNA1D):c.3695T>A (p.Met1232Lys)

Gene: CACNA1D (calcium voltage-gated channel subunit alpha1 D; plus strand). Cytogenetic location: 3p21.1.
Variant type: single nucleotide variant.
Coding change: c.3695T>A on transcript NM_001128840.3 (MANE Select); coding-DNA position 3695, T replaced by A.
Protein change: p.Met1232Lys; replaces methionine 1232 with lysine.
Molecular consequence: missense variant.
Genome position (GRCh38, 1-based): chr3:53,753,591, T>A. VCF-style: chr3-53753591-T-A. GRCh37 (hg19) VCF-style: chr3-53787618-T-A.
Other names: c.3755T>A, p.Met1252Lys (NM_000720.4); c.3695T>A, p.Met1232Lys (NM_001128839.3); short protein forms M1232K, M1252K.
Identifiers: ClinVar variation 4882222 (VCV004882222.2).